The following is an entry in ClinVar:

NM_003128.3(SPTBN1):c.1641G>C (p.Met547Ile)

Gene: SPTBN1 (spectrin beta, non-erythrocytic 1; plus strand). Cytogenetic location: 2p16.2.
Variant type: single nucleotide variant.
Coding change: c.1641G>C on transcript NM_003128.3 (MANE Select); coding-DNA position 1641, G replaced by C.
Protein change: p.Met547Ile; replaces methionine 547 with isoleucine.
Molecular consequence: missense variant.
Genome position (GRCh38, 1-based): chr2:54,626,231, G>C. VCF-style: chr2-54626231-G-C. GRCh37 (hg19) VCF-style: chr2-54853368-G-C.
Other names: c.1602G>C, p.Met534Ile (NM_178313.3); short protein forms M534I, M547I.
Identifiers: ClinVar variation 3376479 (VCV003376479.1).

ClinVar aggregate classification (germline): Uncertain significance (1 of 4 stars; one submission).

Conditions:
Developmental delay, impaired speech, and behavioral abnormalities. Identifiers: MedGen C5561957, MONDO:0859178, OMIM 619475.

Submission:

Pittsburgh Clinical Genomics Laboratory, University of Pittsburgh Medical Center
Classification: Uncertain significance for Developmental delay, impaired speech, and behavioral abnormalities. Last evaluated: 2024-03-18. Review status: criteria provided, single submitter. Criteria: ACMG Guidelines, 2015. Collection method: clinical testing. Allele origin: germline. Inheritance: Autosomal dominant inheritance. Affected: yes.
Comment: This sequence variant is a single nucleotide substitution (G>C) at position 1641 of the coding sequence of the SPTBN1 gene that results in a methionine to isoleucine amino acid change at residue 547 of the spectrin beta, non-erythrocytic 1 protein. This residue falls in the spectrin repeat domain (UniProt). This novel variant is absent from ClinVar, publications, and the gnomAD v4.0.0 population database (0/~1608000 alleles). Multiple bioinformatic tools predict that this amino acid change would be neutral, and the Met547 residue at this position is highly conserved across the vertebrate species examined. Studies examining the functional consequence of this variant have not been performed, to our knowledge. At this time, there is insufficient evidence to determine if this variant is pathogenic or benign. Therefore, we consider this a variant of uncertain significance. ACMG Criteria: BP4, PM2